The following is an entry in ClinVar:

NM_006005.3(WFS1):c.578A>G (p.Lys193Arg)

Gene: WFS1 (wolframin ER transmembrane glycoprotein; plus strand). Cytogenetic location: 4p16.1.
Variant type: single nucleotide variant.
Coding change: c.578A>G on transcript NM_006005.3 (MANE Select); coding-DNA position 578, A replaced by G.
Protein change: p.Lys193Arg; replaces lysine 193 with arginine.
Molecular consequence: missense variant.
Genome position (GRCh38, 1-based): chr4:6,291,314, A>G. VCF-style: chr4-6291314-A-G. GRCh37 (hg19) VCF-style: chr4-6293041-A-G.
Other names: c.578A>G, p.Lys193Arg (NM_001145853.1); short protein forms K193R.
Identifiers: ClinVar variation 393385 (VCV000393385.7), dbSNP rs1005714777, ClinGen allele CA16609250.

ClinVar aggregate classification (germline): Uncertain significance/Uncertain risk allele. Review status: criteria provided, multiple submitters, no conflicts (2 of 4 stars). 3 submissions from 3 submitters: Uncertain significance (2); Uncertain risk allele (1). Last evaluated 2023-01-13.

Conditions:
Monogenic diabetes. Identifiers: Orphanet 183625, MedGen C3888631, MONDO:0015967.
Wolfram syndrome 1 (WFS1). Identifiers: Orphanet 3463, MedGen C4551693, MONDO:0009101, OMIM 222300.

Allele frequency attached by ClinVar (database versions not stated): gnomAD exomes below 0.00001 and 0.00001; gnomAD 0.00001; TOPMed 0.00001.
gnomAD v4.1: 8 of 1,613,344 alleles (0.0005%); highest among the groups gnomAD compares: Non-Finnish European, 0.00068%; no homozygotes.

Submissions (3):

Labcorp Genetics (formerly Invitae), Labcorp
Classification: Uncertain significance. Last evaluated: 2023-01-13. Review status: criteria provided, single submitter. Criteria: Invitae Variant Classification Sherloc (09022015). Collection method: clinical testing. Allele origin: germline.
Comment: In summary, the available evidence is currently insufficient to determine the role of this variant in disease. Therefore, it has been classified as a Variant of Uncertain Significance. Advanced modeling of protein sequence and biophysical properties (such as structural, functional, and spatial information, amino acid conservation, physicochemical variation, residue mobility, and thermodynamic stability) performed at Invitae indicates that this missense variant is not expected to disrupt WFS1 protein function. ClinVar contains an entry for this variant (Variation ID: 393385). This variant has not been reported in the literature in individuals affected with WFS1-related conditions. This variant is present in population databases (no rsID available, gnomAD 0.002%). This sequence change replaces lysine, which is basic and polar, with arginine, which is basic and polar, at codon 193 of the WFS1 protein (p.Lys193Arg).

Personalized Diabetes Medicine Program, University of Maryland School of Medicine
Classification: Uncertain significance for Monogenic diabetes. Last evaluated: 2015-10-02. Review status: criteria provided, single submitter. Criteria: ACMG Guidelines, 2015. Collection method: research. Allele origin: unknown. Observed: 1 variant allele, 1 heterozygote.

Clinical Genomics, Uppaluri K&H Personalized Medicine Clinic
Classification: Uncertain risk allele for Wolfram syndrome 1. Review status: criteria provided, single submitter. Criteria: K & H Uppaluri Personalized Medicine Clinic Variant Classification & Assertion Criteria_Updated V.1. Collection method: research. Allele origin: unknown. Inheritance: Autosomal recessive inheritance.
Comment: Potent mutations in WFS1 gene are associated with Wolfram's syndrome, an autosomal recessive condition, which cause diabetes mellitus, diabetes insipidus, deafness and optic atrophy. However no sufficient evidence is found to ascertain the role of this particular variant rs1005714777 in Wolfram's syndrome yet.

Literature cited by the submitters: PubMed 20738327 (cited by Clinical Genomics, Uppaluri K&H Personalized Medicine Clinic); PubMed 33879153 (cited by Clinical Genomics, Uppaluri K&H Personalized Medicine Clinic); PubMed 12955714 (cited by Clinical Genomics, Uppaluri K&H Personalized Medicine Clinic); PubMed 18060660 (cited by Clinical Genomics, Uppaluri K&H Personalized Medicine Clinic); PubMed 20301750 (cited by Clinical Genomics, Uppaluri K&H Personalized Medicine Clinic); PubMed 17603484 (cited by Clinical Genomics, Uppaluri K&H Personalized Medicine Clinic).